The following is an entry in ClinVar:

ClinVar aggregate classification (germline): Pathogenic (1 of 4 stars; one submission).

Conditions:
Insulin-dependent diabetes mellitus secretory diarrhea syndrome (IPEX). Also called: Immune dysregulation-polyendocrinopathy-enteropathy-X-linked syndrome; IMMUNODEFICIENCY, POLYENDOCRINOPATHY, AND ENTEROPATHY, X-LINKED; IPEX and IPEX-Like; Immunodeficiency, Polyendocrinopathy, and Enteropathy X-Linked Syndrome; X-Linked Syndrome of Polyendocrinopathy, Immune Dysfunction, and Diarrhea; DIABETES MELLITUS, CONGENITAL INSULIN-DEPENDENT, WITH FATAL SECRETORY DIARRHEA. Identifiers: Orphanet 37042, MedGen C0342288, MONDO:0010580, OMIM 304790. Disease mechanism: loss of function.

Submission:

Labcorp Genetics (formerly Invitae), Labcorp
Classification: Pathogenic for Insulin-dependent diabetes mellitus secretory diarrhea syndrome. Last evaluated: 2019-08-08. Review status: criteria provided, single submitter. Criteria: Invitae Variant Classification Sherloc (09022015). Collection method: clinical testing. Allele origin: germline.
Comment: For these reasons, this variant has been classified as Pathogenic. Donor and acceptor splice site variants typically lead to a loss of protein function (PMID: 16199547), and loss-of-function variants in FOXP3 are known to be pathogenic (PMID: 11137992, 11137993). Variants at this splice site have been observed in several individuals affected with immune dysregulation, polyendocrinopathy, enteropathy, X-linked syndrome (PMID: 20650610, 30443250, 24250806). This variant is not present in population databases (ExAC no frequency). This sequence change affects a donor splice site in intron 2 of the FOXP3 gene. It is expected to disrupt RNA splicing and likely results in an absent or disrupted protein product.

Literature cited by the submitters: PubMed 16199547; PubMed 11137992; PubMed 11137993; PubMed 20650610; PubMed 30443250; PubMed 24250806.

NM_014009.4(FOXP3):c.210+1G>T

Gene: FOXP3 (forkhead box P3; minus strand). Cytogenetic location: Xp11.23.
Variant type: single nucleotide variant.
Coding change: c.210+1G>T on transcript NM_014009.4 (MANE Select); the canonical splice donor site of the intron after coding-DNA position 210, G replaced by T.
Molecular consequence: splice donor variant.
Genome position (GRCh38, 1-based): chrX:49,258,295, C>A on the plus strand (G>T on the coding strand, the complement: FOXP3 is on the minus strand). VCF-style: chrX-49258295-C-A. GRCh37 (hg19) VCF-style: chrX-49114752-C-A.
Other names: c.210+1G>T (NM_001114377.2).
Identifiers: ClinVar variation 575607 (VCV000575607.11), dbSNP rs886041596, ClinGen allele CA412953736.